The following is an entry in ClinVar:

ClinVar aggregate classification (germline): Uncertain significance (1 of 4 stars; one submission).

Allele frequency attached by ClinVar (database versions not stated): TOPMed 0.00001; gnomAD 0.00002; gnomAD exomes 0.00003; ExAC 0.00006.
gnomAD v4.1: 50 of 1,614,114 alleles (0.0031%); highest among the groups gnomAD compares: South Asian, 0.023%; no homozygotes.

Submission:

Labcorp Genetics (formerly Invitae), Labcorp
Classification: Uncertain significance. Last evaluated: 2022-07-22. Review status: criteria provided, single submitter. Criteria: Invitae Variant Classification Sherloc (09022015). Collection method: clinical testing. Allele origin: germline.
Comment: Algorithms developed to predict the effect of missense changes on protein structure and function are either unavailable or do not agree on the potential impact of this missense change (SIFT: "Tolerated"; PolyPhen-2: "Probably Damaging"; Align-GVGD: "Class C0"). This variant has not been reported in the literature in individuals affected with LRRK1-related conditions. This variant is present in population databases (rs781362754, gnomAD 0.01%). This sequence change replaces valine, which is neutral and non-polar, with isoleucine, which is neutral and non-polar, at codon 1023 of the LRRK1 protein (p.Val1023Ile). In summary, the available evidence is currently insufficient to determine the role of this variant in disease. Therefore, it has been classified as a Variant of Uncertain Significance.

NM_024652.6(LRRK1):c.3067G>A (p.Val1023Ile)

Genes: LRRK1 (leucine rich repeat kinase 1; plus strand), LRRK1-AS1 (LRRK1 antisense RNA 1; minus strand). Cytogenetic location: 15q26.3.
Variant type: single nucleotide variant.
Coding change: c.3067G>A on transcript NM_024652.6 (MANE Select); coding-DNA position 3067, G replaced by A.
Protein change: p.Val1023Ile; replaces valine 1023 with isoleucine.
Molecular consequence: missense variant.
Genome position (GRCh38, 1-based): chr15:101,046,084, G>A. VCF-style: chr15-101046084-G-A. GRCh37 (hg19) VCF-style: chr15-101586289-G-A.
Other names: short protein forms V1023I.
Identifiers: ClinVar variation 2184943 (VCV002184943.4), dbSNP rs781362754, ClinGen allele CA7761425.